The following is an entry in ClinVar:

ClinVar aggregate classification (germline): Pathogenic/Likely pathogenic. Review status: criteria provided, multiple submitters, no conflicts (2 of 4 stars). 4 submissions from 4 submitters: Pathogenic (3); Likely pathogenic (1). Last evaluated 2026-04-16.

Conditions:
Hereditary cancer-predisposing syndrome. Also called: Neoplastic Syndromes, Hereditary; Tumor predisposition; Hereditary Cancer Syndrome; Hereditary neoplastic syndrome. Identifiers: Orphanet 140162, MedGen C0027672, MeSH D009386, MONDO:0015356.
Familial adenomatous polyposis 1 (FAP1). Also called: FAMILIAL ADENOMATOUS POLYPOSIS 1, ATTENUATED; POLYPOSIS, ADENOMATOUS INTESTINAL. Identifiers: MedGen C2713442, MONDO:0021056, OMIM 175100. Disease mechanism: loss of function.

Submissions (4):

Ambry Genetics
Classification: Pathogenic for Hereditary cancer-predisposing syndrome. Last evaluated: 2026-04-16. Review status: criteria provided, single submitter. Criteria: Ambry Variant Classification Scheme 2023. Collection method: clinical testing. Allele origin: germline.
Comment: The c.2396_2397delAT pathogenic mutation, located in coding exon 15 of the APC gene, results from a deletion of two nucleotides at nucleotide positions 2396 to 2397, causing a translational frameshift with a predicted alternate stop codon (p.Y799Cfs*3). This variant was reported in individual(s) with features consistent with APC-related familial adenomatous polyposis (Ambry internal data). This variant is considered to be rare based on population cohorts in the Genome Aggregation Database (gnomAD). This alteration is expected to result in loss of function by premature protein truncation or nonsense-mediated mRNA decay. As such, this alteration is interpreted as a disease-causing mutation.

Myriad Genetics, Inc.
Classification: Pathogenic for Familial adenomatous polyposis 1. Last evaluated: 2023-05-04. Review status: criteria provided, single submitter. Criteria: Myriad Autosomal Dominant, Autosomal Recessive and X-Linked Classification Criteria (2023). Collection method: clinical testing. Allele origin: unknown.
Comment: This variant is considered pathogenic. This variant creates a frameshift predicted to result in premature protein truncation.

Institute of Human Genetics, University of Leipzig Medical Center
Classification: Likely pathogenic for Familial adenomatous polyposis 1. Last evaluated: 2023-04-20. Review status: criteria provided, single submitter. Criteria: ACMG Guidelines, 2015. Collection method: clinical testing. Allele origin: unknown. Inheritance: Autosomal dominant inheritance. Affected: yes.
Comment: Criteria applied: PVS1,PM2_SUP

Baylor Genetics
Classification: Pathogenic for Familial adenomatous polyposis 1. Last evaluated: 2023-03-13. Review status: criteria provided, single submitter. Criteria: ACMG Guidelines, 2015. Collection method: clinical testing. Allele origin: unknown.

NM_000038.6(APC):c.2396_2397del (p.Tyr799fs)

Gene: APC (APC regulator of Wnt signaling pathway; plus strand). Cytogenetic location: 5q22.2.
Variant type: Deletion.
Coding change: c.2396_2397del on transcript NM_000038.6 (MANE Select); coding-DNA positions 2396 to 2397, 2 bases deleted (AT; older notation c.2396_2397delAT).
Protein change: p.Tyr799fs; shifts the reading frame from tyrosine 799.
Molecular consequence: frameshift variant. On other transcripts: non-coding transcript variant (2).
Genome position (GRCh38, 1-based): chr5:112,837,990-112,837,991, AT deleted; deleting any 2 consecutive bases within chr5:112,837,989-112,837,991 gives the same sequence; the c. name uses the placement nearest the transcript's 3' end. VCF-style (leftmost placement, unchanged base first): chr5-112837988-TTA-T. GRCh37 (hg19) VCF-style: chr5-112173685-TTA-T.
Other names: c.2009_2010del, p.Tyr670fs (NM_001407469.1, NM_001407467.1); c.1547_1548del, p.Tyr516fs (NM_001407470.1, NM_001354906.2); c.1244_1245del, p.Tyr415fs (NM_001407471.1, NM_001407472.1); c.2147_2148del, p.Tyr716fs (NM_001407456.1, NM_001407457.1, NM_001407454.1 and 1 more transcripts); c.2093_2094del, p.Tyr698fs (NM_001407458.1, NM_001407459.1, NM_001407460.1 and 1 more transcripts); c.2396_2397del, p.Tyr799fs (NM_001127510.3, NM_001354895.2, NM_001407450.1); c.2342_2343del, p.Tyr781fs (NM_001127511.3); c.2450_2451del, p.Tyr817fs (NM_001354896.2, NM_001407447.1, NM_001407448.1 and 1 more transcripts); and 12 more; short protein forms Y415fs, Y516fs, Y639fs, Y670fs, Y673fs, Y698fs, Y708fs, Y716fs.
Identifiers: ClinVar variation 2502365 (VCV002502365.7), dbSNP rs2533418190, ClinGen allele CA645562842.